The following is an entry in ClinVar:

ClinVar aggregate classification (germline): Uncertain significance (1 of 4 stars; one submission).

Conditions:
Perlman syndrome (PRLMNS). Identifiers: Orphanet 2849, MedGen C0796113, MONDO:0009965, OMIM 267000.

Allele frequency attached by ClinVar (database versions not stated): gnomAD exomes below 0.00001; TOPMed below 0.00001; ExAC 0.00001.
gnomAD v4.1: 4 of 1,613,936 alleles (0.00025%); highest among the groups gnomAD compares: African/African-American, 0.0013%; no homozygotes.

Submission:

Labcorp Genetics (formerly Invitae), Labcorp
Classification: Uncertain significance for Perlman syndrome. Last evaluated: 2025-07-17. Review status: criteria provided, single submitter. Criteria: Invitae Variant Classification Sherloc (09022015). Collection method: clinical testing. Allele origin: germline.
Comment: This sequence change replaces alanine, which is neutral and non-polar, with valine, which is neutral and non-polar, at codon 745 of the DIS3L2 protein (p.Ala745Val). This variant is present in population databases (rs764432869, gnomAD 0.007%). This variant has not been reported in the literature in individuals affected with DIS3L2-related conditions. ClinVar contains an entry for this variant (Variation ID: 567897). Invitae Evidence Modeling of protein sequence and biophysical properties (such as structural, functional, and spatial information, amino acid conservation, physicochemical variation, residue mobility, and thermodynamic stability) indicates that this missense variant is not expected to disrupt DIS3L2 protein function with a negative predictive value of 80%. In summary, the available evidence is currently insufficient to determine the role of this variant in disease. Therefore, it has been classified as a Variant of Uncertain Significance.

NM_152383.5(DIS3L2):c.2234C>T (p.Ala745Val)

Gene: DIS3L2 (DIS3 like 3'-5' exoribonuclease 2; plus strand). Cytogenetic location: 2q37.1.
Variant type: single nucleotide variant.
Coding change: c.2234C>T on transcript NM_152383.5 (MANE Select); coding-DNA position 2234, C replaced by T.
Protein change: p.Ala745Val; replaces alanine 745 with valine.
Molecular consequence: missense variant. On other transcripts: non-coding transcript variant (2), intron variant (1).
Genome position (GRCh38, 1-based): chr2:232,334,444, C>T. VCF-style: chr2-232334444-C-T. GRCh37 (hg19) VCF-style: chr2-233199154-C-T.
Other names: c.1582-8901C>T (NM_001257281.2); short protein forms A745V.
Identifiers: ClinVar variation 567897 (VCV000567897.8), dbSNP rs764432869, ClinGen allele CA2164461.